The following is an entry in ClinVar:

ClinVar aggregate classification (germline): Uncertain significance. Review status: criteria provided, multiple submitters, no conflicts (2 of 4 stars). 3 submissions from 3 submitters: Uncertain significance (3). Last evaluated 2026-04-09.

Conditions:
Cardiovascular phenotype. Identifiers: MedGen CN230736.
Brugada syndrome 8 (BRGDA8). Identifiers: Orphanet 130, MedGen C2751083, MONDO:0013148, OMIM 613123.

Allele frequency attached by ClinVar (database versions not stated): TOPMed below 0.00001; gnomAD 0.00001.
gnomAD v4.1: 9 of 1,310,934 alleles (0.00069%); highest among the groups gnomAD compares: Non-Finnish European, 0.00088%; no homozygotes.

Submissions (3):

Ambry Genetics
Classification: Uncertain significance for Cardiovascular phenotype. Last evaluated: 2026-04-09. Review status: criteria provided, single submitter. Criteria: Ambry Variant Classification Scheme 2023. Collection method: clinical testing. Allele origin: germline.
Comment: The p.S138F variant (also known as c.413C>T), located in coding exon 1 of the HCN4 gene, results from a C to T substitution at nucleotide position 413. The serine at codon 138 is replaced by phenylalanine, an amino acid with highly dissimilar properties. This amino acid position is conserved. In addition, the in silico prediction for this alteration is inconclusive. Based on the available evidence, the clinical significance of this variant remains unclear.

Labcorp Genetics (formerly Invitae), Labcorp
Classification: Uncertain significance for Brugada syndrome 8. Last evaluated: 2025-09-24. Review status: criteria provided, single submitter. Criteria: Invitae Variant Classification Sherloc (09022015). Collection method: clinical testing. Allele origin: germline.
Comment: This sequence change replaces serine, which is neutral and polar, with phenylalanine, which is neutral and non-polar, at codon 138 of the HCN4 protein (p.Ser138Phe). This variant is not present in population databases (gnomAD no frequency). This variant has not been reported in the literature in individuals affected with HCN4-related conditions. ClinVar contains an entry for this variant (Variation ID: 566630). Invitae Evidence Modeling of protein sequence and biophysical properties (such as structural, functional, and spatial information, amino acid conservation, physicochemical variation, residue mobility, and thermodynamic stability) has been performed for this missense variant. However, the output from this modeling did not meet the statistical confidence thresholds required to predict the impact of this variant on HCN4 protein function. In summary, the available evidence is currently insufficient to determine the role of this variant in disease. Therefore, it has been classified as a Variant of Uncertain Significance.

ARUP Laboratories, Molecular Genetics and Genomics, ARUP Laboratories
Classification: Uncertain significance. Last evaluated: 2025-06-12. Review status: criteria provided, single submitter. Criteria: ARUP Molecular Germline Variant Investigation Process 2024. Collection method: clinical testing. Allele origin: germline.
Comment: The HCN4 c.413C>T; p.Ser138Phe variant (rs1567801864), to our knowledge, is not reported in the medical literature but is reported in ClinVar (Variation ID: 566630). This variant is absent from the Genome Aggregation Database (v2.1.1), indicating it is not a common polymorphism. Computational analyses are uncertain whether this variant is neutral or deleterious (REVEL: 0.402). Due to limited information, the clinical significance of this variant is uncertain at this time.

NM_005477.3(HCN4):c.413C>T (p.Ser138Phe)

Gene: HCN4 (hyperpolarization activated cyclic nucleotide gated potassium channel 4; minus strand). Cytogenetic location: 15q24.1.
Variant type: single nucleotide variant.
Coding change: c.413C>T on transcript NM_005477.3 (MANE Select); coding-DNA position 413, C replaced by T.
Protein change: p.Ser138Phe; replaces serine 138 with phenylalanine.
Molecular consequence: missense variant.
Genome position (GRCh38, 1-based): chr15:73,367,858, G>A on the plus strand (C>T on the coding strand, the complement: HCN4 is on the minus strand). VCF-style: chr15-73367858-G-A. GRCh37 (hg19) VCF-style: chr15-73660199-G-A.
Other names: short protein forms S138F.
Identifiers: ClinVar variation 566630 (VCV000566630.10), dbSNP rs1567801864, ClinGen allele CA393098094.